The following is an entry in ClinVar:

ClinVar aggregate classification (germline): Conflicting classifications of pathogenicity. Review status: criteria provided, conflicting classifications (1 of 4 stars). 2 submissions from 2 submitters: Uncertain significance (1); Likely benign (1). Last evaluated 2025-11-24.

Conditions:
Cardiovascular phenotype. Identifiers: MedGen CN230736.
RASopathy. Also called: rasopathies; Noonan spectrum disorder. Identifiers: Orphanet 536391, MedGen C5555857, MONDO:0021060.

Allele frequency attached by ClinVar (database versions not stated): gnomAD exomes below 0.00001; gnomAD 0.00001.
gnomAD v4.1: 4 of 1,613,638 alleles (0.00025%); highest among the groups gnomAD compares: African/African-American, 0.0027%; no homozygotes.

Submissions (2):

Labcorp Genetics (formerly Invitae), Labcorp
Classification: Likely benign for RASopathy. Last evaluated: 2025-11-24. Review status: criteria provided, single submitter. Criteria: Invitae Variant Classification Sherloc (09022015). Collection method: clinical testing. Allele origin: germline.

Ambry Genetics
Classification: Uncertain significance for Cardiovascular phenotype. Last evaluated: 2025-07-28. Review status: criteria provided, single submitter. Criteria: Ambry Variant Classification Scheme 2023. Collection method: clinical testing. Allele origin: germline.
Comment: The p.R310C variant (also known as c.928C>T), located in coding exon 7 of the SOS1 gene, results from a C to T substitution at nucleotide position 928. The arginine at codon 310 is replaced by cysteine, an amino acid with highly dissimilar properties. This amino acid position is poorly conserved in available vertebrate species. In addition, this alteration is predicted to be tolerated by in silico analysis. Based on the available evidence, the clinical significance of this variant remains unclear.

NM_005633.4(SOS1):c.928C>T (p.Arg310Cys)

Gene: SOS1 (SOS Ras/Rac guanine nucleotide exchange factor 1; minus strand). Cytogenetic location: 2p22.1.
Variant type: single nucleotide variant.
Coding change: c.928C>T on transcript NM_005633.4 (MANE Select); coding-DNA position 928, C replaced by T.
Protein change: p.Arg310Cys; replaces arginine 310 with cysteine.
Molecular consequence: missense variant.
Genome position (GRCh38, 1-based): chr2:39,035,437, G>A on the plus strand (C>T on the coding strand, the complement: SOS1 is on the minus strand). VCF-style: chr2-39035437-G-A. GRCh37 (hg19) VCF-style: chr2-39262578-G-A.
Other names: c.907C>T, p.Arg303Cys (NM_001382394.1); c.928C>T, p.Arg310Cys (NM_001382395.1); c.928C>T (NM_005633.3); short protein forms R303C, R310C.
Identifiers: ClinVar variation 1064044 (VCV001064044.11), dbSNP rs867539471, ClinGen allele CA45683587.